The following is an entry in ClinVar:

NM_032043.3(BRIP1):c.1543del (p.Glu515fs)

Gene: BRIP1 (BRCA1 interacting DNA helicase 1; minus strand). Cytogenetic location: 17q23.2.
Variant type: Deletion.
Coding change: c.1543del on transcript NM_032043.3 (MANE Select); coding-DNA position 1543, one base deleted (G; older notation c.1543delG).
Protein change: p.Glu515fs; shifts the reading frame from glutamic acid 515.
Molecular consequence: frameshift variant.
Genome position (GRCh38, 1-based): chr17:61,784,355, C deleted on the plus strand (G on the coding strand, the reverse complement: BRIP1 is on the minus strand). VCF-style (leftmost placement, unchanged base first): chr17-61784354-TC-T. GRCh37 (hg19) VCF-style: chr17-59861715-TC-T.
Other names: c.1543delG (NM_032043.2); short protein forms E515fs.
Identifiers: ClinVar variation 419356 (VCV000419356.10), dbSNP rs1064793812, ClinGen allele CA16620532.

ClinVar aggregate classification (germline): Pathogenic/Likely pathogenic. Review status: criteria provided, multiple submitters, no conflicts (2 of 4 stars). 5 submissions from 5 submitters: Pathogenic (4); Likely pathogenic (1). Last evaluated 2025-10-14.

Conditions:
Hereditary cancer-predisposing syndrome. Also called: Hereditary neoplastic syndrome; Hereditary Cancer Syndrome; Neoplastic Syndromes, Hereditary; Tumor predisposition. Identifiers: Orphanet 140162, MedGen C0027672, MeSH D009386, MONDO:0015356.
Fanconi anemia complementation group J. Also called: BRIP1-Related Fanconi Anemia. Identifiers: Orphanet 84, MedGen C1836860, MONDO:0012187, OMIM 609054.
Familial cancer of breast. Also called: hereditary breast carcinoma; Hereditary breast cancer; BREAST CANCER, FAMILIAL. Identifiers: Orphanet 227535, MedGen C0346153, MONDO:0016419, OMIM 114480. Disease mechanism: loss of function.

Submissions (5):

Labcorp Genetics (formerly Invitae), Labcorp
Classification: Pathogenic for Familial cancer of breast; Fanconi anemia complementation group J. Last evaluated: 2025-10-14. Review status: criteria provided, single submitter. Criteria: Invitae Variant Classification Sherloc (09022015). Collection method: clinical testing. Allele origin: germline.
Comment: This sequence change creates a premature translational stop signal (p.Glu515Lysfs*11) in the BRIP1 gene. It is expected to result in an absent or disrupted protein product. Loss-of-function variants in BRIP1 are known to be pathogenic (PMID: 16116423, 17033622, 21964575). This variant is not present in population databases (gnomAD no frequency). This variant has not been reported in the literature in individuals affected with BRIP1-related conditions. ClinVar contains an entry for this variant (Variation ID: 419356). Algorithms developed to predict the effect of sequence changes on RNA splicing suggest that this variant may disrupt the consensus splice site. For these reasons, this variant has been classified as Pathogenic.

Ambry Genetics
Classification: Pathogenic for Hereditary cancer-predisposing syndrome. Last evaluated: 2025-09-05. Review status: criteria provided, single submitter. Criteria: Ambry Variant Classification Scheme 2023. Collection method: clinical testing. Allele origin: germline.
Comment: The c.1543delG pathogenic mutation, located in coding exon 10 of the BRIP1 gene, results from a deletion of one nucleotide at nucleotide position 1543, causing a translational frameshift with a predicted alternate stop codon (p.E515Kfs*11). This variant is considered to be rare based on population cohorts in the Genome Aggregation Database (gnomAD). This alteration is expected to result in loss of function by premature protein truncation or nonsense-mediated mRNA decay. As such, this alteration is interpreted as a disease-causing mutation.

Myriad Genetics, Inc.
Classification: Pathogenic for Familial cancer of breast. Last evaluated: 2023-06-02. Review status: criteria provided, single submitter. Criteria: Myriad Autosomal Dominant, Autosomal Recessive and X-Linked Classification Criteria (2023). Collection method: clinical testing. Allele origin: unknown.
Comment: This variant is considered pathogenic. This variant creates a frameshift predicted to result in premature protein truncation.

Baylor Genetics
Classification: Likely pathogenic for Familial cancer of breast. Last evaluated: 2021-06-04. Review status: criteria provided, single submitter. Criteria: ACMG Guidelines, 2015. Collection method: clinical testing. Allele origin: unknown.

GeneDx
Classification: Pathogenic. Last evaluated: 2018-09-19. Review status: criteria provided, single submitter. Criteria: GeneDx Variant Classification (06012015). Collection method: clinical testing. Allele origin: germline. Affected: yes.
Comment: This deletion of one nucleotide in BRIP1 is denoted c.1543delG at the cDNA level and p.Glu515LysfsX11 (E515KfsX11) at the protein level. The normal sequence, with the base that is deleted in brackets, is AAGA[delG]AAGT. The deletion causes a frameshift which changes a Glutamic Acid to a Lysine at codon 515, and creates a premature stop codon at position 11 of the new reading frame. Although this variant has not, to our knowledge, been reported in the literature, it is predicted to cause loss of normal protein function through either protein truncation or nonsense-mediated mRNA decay. Based on currently available evidence, we consider this deletion to be pathogenic.

Literature cited by the submitters: PubMed 16116423 (cited by Labcorp Genetics (formerly Invitae), Labcorp); PubMed 17033622 (cited by Labcorp Genetics (formerly Invitae), Labcorp); PubMed 21964575 (cited by Labcorp Genetics (formerly Invitae), Labcorp).